The following is an entry in ClinVar:

ClinVar aggregate classification (germline): Conflicting classifications of pathogenicity. Review status: criteria provided, conflicting classifications (1 of 4 stars). 7 submissions from 7 submitters: Likely pathogenic (4); Uncertain significance (1). 2 of the submissions do not count toward it. Last evaluated 2025-06-15.

Conditions:
GPR143-related foveal hypoplasia. Identifiers: MedGen CN375905, MONDO:0700230.
Ocular albinism, type I (OA1). Also called: NETTLESHIP-FALLS TYPE OCULAR ALBINISM; X-linked recessive ocular albinism; Ocular Albinism type 1; Ocular albinism, type I, Nettleship-Falls type. Identifiers: Orphanet 54, MedGen C0342684, MONDO:0021019, OMIM 300500.
Nystagmus 6, congenital, X-linked (NYS6). Identifiers: MedGen C3151752, MONDO:0010435, OMIM 300814.

Allele frequency attached by ClinVar (database versions not stated): TOPMed below 0.00001; gnomAD exomes 0.00001; ExAC 0.00002; gnomAD 0.00002.
gnomAD v4.1: 9 of 1,117,825 alleles (0.00081%); highest among the groups gnomAD compares: East Asian, 0.003%; no homozygotes.

Submissions (7):

Victorian Clinical Genetics Services, Murdoch Childrens Research Institute
Classification: Likely pathogenic for GPR143-related foveal hypoplasia. Last evaluated: 2025-06-15. Review status: criteria provided, single submitter. Criteria: ACMG Guidelines, 2015. Collection method: clinical testing. Allele origin: germline. Affected: no.
Comment: This variant is classified as Likely pathogenic. Evidence in support of pathogenic classification: Non-canonical splice site variant without proven consequence on splicing (no functional evidence available); Variant is present in gnomAD <0.01 for a recessive condition (v4: 8 heterozygote(s), 0 homozygote(s), 1 hemizygote(s)); This variant has strong previous evidence of pathogenicity in unrelated individuals. This variant has been classified as likely pathogenic by clinical laboratories, including in at least one male with nystagmus and foveal hypoplasia (ClinVar, personal communication). Additional information: This variant is heterozygous; This gene is associated with X-linked recessive disease; Segregation evidence for this variant is inconclusive. Additionally, the unaffected sister does not possess the variant, and there was no paternal information available (PMID: 9887374); No published functional evidence has been identified for this variant; No comparable non-canonical splice variants have previous evidence for pathogenicity; In silico prediction for abnormal splicing and nucleotide conservation are conflicting; Loss of function is a known mechanism of disease in this gene and is associated with GPR143-related foveal hypoplasia (MONDO:0700230).

Genomic Medicine Center of Excellence, King Faisal Specialist Hospital and Research Centre
Classification: Likely pathogenic for Ocular albinism, type I. Last evaluated: 2024-09-22. Review status: criteria provided, single submitter. Criteria: ACMG Guidelines, 2015. Collection method: clinical testing. Allele origin: germline.

Fulgent Genetics
Classification: Likely pathogenic for Ocular albinism, type I; Nystagmus 6, congenital, X-linked. Last evaluated: 2024-03-16. Review status: criteria provided, single submitter. Criteria: ACMG Guidelines, 2015. Collection method: clinical testing. Allele origin: germline.

Labcorp Genetics (formerly Invitae), Labcorp
Classification: Likely pathogenic. Last evaluated: 2022-11-08. Review status: criteria provided, single submitter. Criteria: Invitae Variant Classification Sherloc (09022015). Collection method: clinical testing. Allele origin: germline.
Comment: ClinVar contains an entry for this variant (Variation ID: 98631). This variant is also known as 420G>A. This variant has been observed in individuals with clinical features of ocular albinism (PMID: 9887374; Invitae). It has also been observed to segregate with disease in related individuals. The frequency data for this variant in the population databases is considered unreliable, as metrics indicate poor data quality at this position in the gnomAD database. This sequence change affects codon 120 of the GPR143 mRNA. It is a 'silent' change, meaning that it does not change the encoded amino acid sequence of the GPR143 protein. This variant also falls at the last nucleotide of exon 2, which is part of the consensus splice site for this exon. Variants that disrupt the consensus splice site are a relatively common cause of aberrant splicing (PMID: 17576681, 9536098). Algorithms developed to predict the effect of sequence changes on RNA splicing suggest that this variant may disrupt the consensus splice site. In summary, the currently available evidence indicates that the variant is pathogenic, but additional data are needed to prove that conclusively. Therefore, this variant has been classified as Likely Pathogenic.

Blueprint Genetics
Classification: Uncertain significance. Last evaluated: 2020-12-11. Review status: criteria provided, single submitter. Criteria: ACMG Guidelines, 2015. Collection method: clinical testing. Allele origin: germline.

OMIM
Classification: Pathogenic for ALBINISM, OCULAR, TYPE I. Last evaluated: 1998-11-01. Review status: no assertion criteria provided. Collection method: literature only. Allele origin: germline. Not counted in ClinVar's aggregate classification.

Retina International
No classification provided. Review status: no classification provided. Collection method: not provided. Allele origin: not provided. Not counted in ClinVar's aggregate classification.

Literature cited by the submitters: PubMed 37217489 (cited by Victorian Clinical Genetics Services, Murdoch Childrens Research Institute); PubMed 9887374 (cited by 3 submitters); PubMed 17576681 (cited by Labcorp Genetics (formerly Invitae), Labcorp); PubMed 9536098 (cited by Labcorp Genetics (formerly Invitae), Labcorp); PubMed 1427786 (cited by OMIM); PubMed 8400292 (cited by OMIM).

NM_000273.3(GPR143):c.360G>A (p.Ala120=)

Gene: GPR143 (G protein-coupled receptor 143; minus strand). Cytogenetic location: Xp22.2.
Variant type: single nucleotide variant.
Coding change: c.360G>A on transcript NM_000273.3 (MANE Select); coding-DNA position 360, G replaced by A.
Protein change: p.Ala120=; no amino-acid change (alanine 120 retained).
Molecular consequence: synonymous variant.
Genome position (GRCh38, 1-based): chrX:9,760,717, C>T on the plus strand (G>A on the coding strand, the complement: GPR143 is on the minus strand). VCF-style: chrX-9760717-C-T. GRCh37 (hg19) VCF-style: chrX-9728757-C-T.
Other names: 420G-A.
Identifiers: ClinVar variation 98631 (VCV000098631.11), dbSNP rs281865178, ClinGen allele CA226178.